The following is an entry in ClinVar:

NM_006059.4(LAMC3):c.1031G>A (p.Arg344His)

Gene: LAMC3 (laminin subunit gamma 3; plus strand). Cytogenetic location: 9q34.12.
Variant type: single nucleotide variant.
Coding change: c.1031G>A on transcript NM_006059.4 (MANE Select); coding-DNA position 1031, G replaced by A.
Protein change: p.Arg344His; replaces arginine 344 with histidine.
Molecular consequence: missense variant.
Genome position (GRCh38, 1-based): chr9:131,038,918, G>A. VCF-style: chr9-131038918-G-A. GRCh37 (hg19) VCF-style: chr9-133914305-G-A.
Other names: c.1031G>A (NM_006059.3); short protein forms R344H.
Identifiers: ClinVar variation 1467169 (VCV001467169.6), dbSNP rs143795459, ClinGen allele CA5286916.

ClinVar aggregate classification (germline): Uncertain significance. Review status: criteria provided, multiple submitters, no conflicts (2 of 4 stars). 3 submissions from 3 submitters: Uncertain significance (3). Last evaluated 2024-12-02.

Conditions:
Inborn genetic diseases. Identifiers: MedGen C0950123, MeSH D030342.

Allele frequency attached by ClinVar (database versions not stated): gnomAD exomes 0.00005; ExAC 0.00006; gnomAD 0.00009; TOPMed 0.00014; ESP Exome Variant Server 0.00015; 1000 Genomes Project 30x 0.00016; 1000 Genomes Project 0.00020.
gnomAD v4.1: 59 of 1,613,276 alleles (0.0037%); highest among the groups gnomAD compares: African/African-American, 0.024%; no homozygotes.

Submissions (3):

Labcorp Genetics (formerly Invitae), Labcorp
Classification: Uncertain significance. Last evaluated: 2024-12-02. Review status: criteria provided, single submitter. Criteria: Invitae Variant Classification Sherloc (09022015). Collection method: clinical testing. Allele origin: germline.
Comment: This sequence change replaces arginine, which is basic and polar, with histidine, which is basic and polar, at codon 344 of the LAMC3 protein (p.Arg344His). This variant is present in population databases (rs143795459, gnomAD 0.04%). This variant has not been reported in the literature in individuals affected with LAMC3-related conditions. ClinVar contains an entry for this variant (Variation ID: 1467169). An algorithm developed to predict the effect of missense changes on protein structure and function (PolyPhen-2) suggests that this variant is likely to be disruptive. In summary, the available evidence is currently insufficient to determine the role of this variant in disease. Therefore, it has been classified as a Variant of Uncertain Significance.

GeneDx
Classification: Uncertain significance. Last evaluated: 2023-11-12. Review status: criteria provided, single submitter. Criteria: GeneDx Variant Classification Process June 2021. Collection method: clinical testing. Allele origin: germline. Affected: yes.
Comment: In silico analysis supports that this missense variant has a deleterious effect on protein structure/function; Has not been previously published as pathogenic or benign to our knowledge

Ambry Genetics
Classification: Uncertain significance for Inborn genetic diseases. Last evaluated: 2021-07-16. Review status: criteria provided, single submitter. Criteria: Ambry Variant Classification Scheme 2023. Collection method: clinical testing. Allele origin: germline.